The following is an entry in ClinVar:

NM_173689.7(CRB2):c.2254C>A (p.Leu752Ile)

Gene: CRB2 (crumbs cell polarity complex component 2; plus strand). Cytogenetic location: 9q33.3.
Variant type: single nucleotide variant.
Coding change: c.2254C>A on transcript NM_173689.7 (MANE Select); coding-DNA position 2254, C replaced by A.
Protein change: p.Leu752Ile; replaces leucine 752 with isoleucine.
Molecular consequence: missense variant. On other transcripts: non-coding transcript variant (1).
Genome position (GRCh38, 1-based): chr9:123,371,396, C>A. VCF-style: chr9-123371396-C-A. GRCh37 (hg19) VCF-style: chr9-126133675-C-A.
Other names: short protein forms L752I.
Identifiers: ClinVar variation 3776583 (VCV003776583.1).

ClinVar aggregate classification (germline): Uncertain significance (1 of 4 stars; one submission).

Submission:

GeneDx
Classification: Uncertain significance. Last evaluated: 2024-10-04. Review status: criteria provided, single submitter. Criteria: GeneDx Variant Classification Process June 2021. Collection method: clinical testing. Allele origin: germline. Affected: yes.
Comment: Not observed at significant frequency in large population cohorts (gnomAD); In silico analysis indicates that this missense variant does not alter protein structure/function; Has not been previously published as pathogenic or benign to our knowledge